The following is an entry in ClinVar:

NM_001009999.3(KDM1A):c.1576G>A (p.Gly526Arg)

Gene: KDM1A (lysine demethylase 1A; plus strand). Cytogenetic location: 1p36.12.
Variant type: single nucleotide variant.
Coding change: c.1576G>A on transcript NM_001009999.3 (MANE Select); coding-DNA position 1576, G replaced by A.
Protein change: p.Gly526Arg; replaces glycine 526 with arginine.
Molecular consequence: missense variant.
Genome position (GRCh38, 1-based): chr1:23,072,151, G>A. VCF-style: chr1-23072151-G-A. GRCh37 (hg19) VCF-style: chr1-23398644-G-A.
Other names: c.1504G>A, p.Gly502Arg (NM_001363654.2, NM_001410763.1, NM_015013.4); c.1564G>A, p.Gly522Arg (NM_001410762.1); short protein forms G522R, G526R, G502R.
Identifiers: ClinVar variation 4042093 (VCV004042093.1).

ClinVar aggregate classification (germline): Uncertain significance (1 of 4 stars; one submission).

Conditions:
Inborn genetic diseases. Identifiers: MedGen C0950123, MeSH D030342.

Submission:

Ambry Genetics
Classification: Uncertain significance for Inborn genetic diseases. Last evaluated: 2025-04-06. Review status: criteria provided, single submitter. Criteria: Ambry Variant Classification Scheme 2023. Collection method: clinical testing. Allele origin: germline.
Comment: The p.G526R variant (also known as c.1576G>A), located in coding exon 14 of the KDM1A gene, results from a G to A substitution at nucleotide position 1576. The glycine at codon 526 is replaced by arginine, an amino acid with dissimilar properties. This amino acid position is conserved. In addition, this alteration is predicted to be tolerated by in silico analysis. Based on the available evidence, the clinical significance of this variant remains unclear.